The following is an entry in ClinVar:

NM_144997.7(FLCN):c.95G>A (p.Gly32Glu)

Gene: FLCN (folliculin; minus strand). Cytogenetic location: 17p11.2.
Variant type: single nucleotide variant.
Coding change: c.95G>A on transcript NM_144997.7 (MANE Select); coding-DNA position 95, G replaced by A.
Protein change: p.Gly32Glu; replaces glycine 32 with glutamic acid.
Molecular consequence: missense variant.
Genome position (GRCh38, 1-based): chr17:17,228,043, C>T on the plus strand (G>A on the coding strand, the complement: FLCN is on the minus strand). VCF-style: chr17-17228043-C-T. GRCh37 (hg19) VCF-style: chr17-17131357-C-T.
Other names: c.95G>A, p.Gly32Glu (NM_001353229.2, NM_001353230.2, NM_001353231.2 and 1 more transcripts); short protein forms G32E.
Identifiers: ClinVar variation 134424 (VCV000134424.17), dbSNP rs587778366, ClinGen allele CA159764.

ClinVar aggregate classification (germline): Conflicting classifications of pathogenicity. Review status: criteria provided, conflicting classifications (1 of 4 stars). 5 submissions from 5 submitters: Uncertain significance (3); Likely benign (1). 1 of the submissions does not count toward it. Last evaluated 2026-03-05.

Conditions:
Hereditary cancer-predisposing syndrome. Also called: Neoplastic Syndromes, Hereditary; Hereditary Cancer Syndrome; Tumor predisposition; Hereditary neoplastic syndrome. Identifiers: Orphanet 140162, MedGen C0027672, MeSH D009386, MONDO:0015356.
Birt-Hogg-Dube syndrome. Also called: Birt Hogg Dubé syndrome. Identifiers: Orphanet 122, MedGen C0346010, MONDO:0800444.

Allele frequency attached by ClinVar (database versions not stated): gnomAD exomes 0.00002 and 0.00001; TOPMed below 0.00001; ExAC 0.00002.
gnomAD v4.1: 27 of 1,613,908 alleles (0.0017%); highest among the groups gnomAD compares: Non-Finnish European, 0.0021%; no homozygotes.

Submissions (5):

Ambry Genetics
Classification: Likely benign for Hereditary cancer-predisposing syndrome. Last evaluated: 2026-03-05. Review status: criteria provided, single submitter. Criteria: Ambry Variant Classification Scheme 2023. Collection method: clinical testing. Allele origin: germline.

Labcorp Genetics (formerly Invitae), Labcorp
Classification: Uncertain significance for Birt-Hogg-Dube syndrome. Last evaluated: 2026-01-18. Review status: criteria provided, single submitter. Criteria: Invitae Variant Classification Sherloc (09022015). Collection method: clinical testing. Allele origin: germline.
Comment: This sequence change replaces glycine, which is neutral and non-polar, with glutamic acid, which is acidic and polar, at codon 32 of the FLCN protein (p.Gly32Glu). This variant is present in population databases (rs587778366, gnomAD 0.003%). This variant has not been reported in the literature in individuals affected with FLCN-related conditions. ClinVar contains an entry for this variant (Variation ID: 134424). Invitae Evidence Modeling of protein sequence and biophysical properties (such as structural, functional, and spatial information, amino acid conservation, physicochemical variation, residue mobility, and thermodynamic stability) indicates that this missense variant is not expected to disrupt FLCN protein function with a negative predictive value of 80%. In summary, the available evidence is currently insufficient to determine the role of this variant in disease. Therefore, it has been classified as a Variant of Uncertain Significance.

Dasa
Classification: Uncertain significance. Last evaluated: 2025-02-10. Review status: criteria provided, single submitter. Criteria: DASA Assertion Criteria. Collection method: clinical testing. Allele origin: germline.
Comment: NM_144997.7(FLCN):c.95G>A (p.Gly32Glu) is a missense variant that results in the substitution of glycine with glutamic acid. This variant is rare in population databases. Computational prediction algorithms are consistent with a benign effect. The currently available literature and clinical evidence are not sufficient to establish a definitive association between this variant and the reported condition. Therefore, this variant is classified as a variant of uncertain significance.

GeneDx
Classification: Uncertain significance. Last evaluated: 2024-05-10. Review status: criteria provided, single submitter. Criteria: GeneDx Variant Classification Process June 2021. Collection method: clinical testing. Allele origin: germline. Affected: yes.
Comment: Not observed at significant frequency in large population cohorts (gnomAD); In silico analysis indicates that this missense variant does not alter protein structure/function; Identified in healthy individuals undergoing whole genome sequencing (PMID: 24728327); This variant is associated with the following publications: (PMID: 24728327)

ITMI
No classification provided. Condition: AllHighlyPenetrant. Last evaluated: 2013-09-19. Review status: no classification provided. Collection method: reference population. Allele origin: germline. Not counted in ClinVar's aggregate classification.
Comment: Please see associated publication for description of ethnicities

Literature cited by the submitters: PubMed 24728327 (cited by ITMI).